The following is an entry in ClinVar:

NM_005751.5(AKAP9):c.1471A>C (p.Met491Leu)

Gene: AKAP9 (A-kinase anchoring protein 9; plus strand). Cytogenetic location: 7q21.2.
Variant type: single nucleotide variant.
Coding change: c.1471A>C on transcript NM_005751.5 (MANE Select); coding-DNA position 1471, A replaced by C.
Protein change: p.Met491Leu; replaces methionine 491 with leucine.
Molecular consequence: missense variant.
Genome position (GRCh38, 1-based): chr7:92,001,388, A>C. VCF-style: chr7-92001388-A-C. GRCh37 (hg19) VCF-style: chr7-91630702-A-C.
Other names: c.1471A>C, p.Met491Leu (NM_147185.3); short protein forms M491L.
Identifiers: ClinVar variation 1035223 (VCV001035223.8), dbSNP rs770332643, ClinGen allele CA4336018.

ClinVar aggregate classification (germline): Uncertain significance (1 of 4 stars; one submission).

Conditions:
Long QT syndrome (LQTS). Identifiers: MedGen C0023976, MeSH D008133, MONDO:0002442. Disease mechanism: loss of function. Inheritance: Various modes of inheritance.

Allele frequency attached by ClinVar (database versions not stated): ExAC 0.00002; TOPMed 0.00001; gnomAD 0.00001.
gnomAD v4.1: 22 of 1,613,736 alleles (0.0014%); highest among the groups gnomAD compares: Non-Finnish European, 0.0019%; no homozygotes.

Submission:

Labcorp Genetics (formerly Invitae), Labcorp
Classification: Uncertain significance for Long QT syndrome. Last evaluated: 2025-11-09. Review status: criteria provided, single submitter. Criteria: Invitae Variant Classification Sherloc (09022015). Collection method: clinical testing. Allele origin: germline.
Comment: This sequence change replaces methionine, which is neutral and non-polar, with leucine, which is neutral and non-polar, at codon 491 of the AKAP9 protein (p.Met491Leu). This variant is present in population databases (rs770332643, gnomAD 0.002%). This variant has not been reported in the literature in individuals affected with AKAP9-related conditions. ClinVar contains an entry for this variant (Variation ID: 1035223). An algorithm developed to predict the effect of missense changes on protein structure and function outputs the following: PolyPhen-2: "Benign". The leucine amino acid residue is found in multiple mammalian species, which suggests that this missense change does not adversely affect protein function. In summary, the available evidence is currently insufficient to determine the role of this variant in disease. Therefore, it has been classified as a Variant of Uncertain Significance.